The following is an entry in ClinVar:

ClinVar aggregate classification (germline): Uncertain significance. Review status: criteria provided, multiple submitters, no conflicts (2 of 4 stars). 2 submissions from 2 submitters: Uncertain significance (2). Last evaluated 2025-04-06.

Conditions:
Hereditary cancer-predisposing syndrome. Also called: Hereditary Cancer Syndrome; Hereditary neoplastic syndrome; Neoplastic Syndromes, Hereditary; Tumor predisposition. Identifiers: Orphanet 140162, MedGen C0027672, MeSH D009386, MONDO:0015356.
Melanoma, cutaneous malignant, susceptibility to, 8. Also called: MELANOMA AND RENAL CELL CARCINOMA, SUSCEPTIBILITY TO; Cutaneous malignant melanoma 8. Identifiers: Orphanet 293822, MedGen C3152204, MONDO:0013759, OMIM 614456.
Tietz syndrome (TADS). Also called: ALBINISM-DEAFNESS OF TIETZ; HYPOPIGMENTATION/DEAFNESS OF TIETZ; TIETZ ALBINISM-DEAFNESS SYNDROME. Identifiers: Orphanet 42665, MedGen C0391816, MONDO:0007077, OMIM 103500.
Waardenburg syndrome type 2A (WS2A). Also called: WAARDENBURG SYNDROME WITHOUT DYSTOPIA CANTHORUM. Identifiers: Orphanet 3440, MedGen C1860339, MONDO:0008671, OMIM 193510.

gnomAD v4.1: 1 of 1,614,102 alleles (0.000062%); no homozygotes.

Submissions (2):

Ambry Genetics
Classification: Uncertain significance for Hereditary cancer-predisposing syndrome. Last evaluated: 2025-04-06. Review status: criteria provided, single submitter. Criteria: Ambry Variant Classification Scheme 2023. Collection method: clinical testing. Allele origin: germline.
Comment: The p.K33E variant (also known as c.97A>G), located in coding exon 2 of the MITF gene, results from an A to G substitution at nucleotide position 97. The lysine at codon 33 is replaced by glutamic acid, an amino acid with similar properties. This amino acid position is conserved. In addition, the in silico prediction for this alteration is inconclusive. Based on the available evidence, the clinical significance of this variant remains unclear.

Labcorp Genetics (formerly Invitae), Labcorp
Classification: Uncertain significance for Melanoma, cutaneous malignant, susceptibility to, 8; Waardenburg syndrome type 2A; Tietz syndrome. Last evaluated: 2025-01-28. Review status: criteria provided, single submitter. Criteria: Invitae Variant Classification Sherloc (09022015). Collection method: clinical testing. Allele origin: germline.
Comment: This sequence change replaces lysine, which is basic and polar, with glutamic acid, which is acidic and polar, at codon 33 of the MITF protein (p.Lys33Glu). This variant is not present in population databases (gnomAD no frequency). This variant has not been reported in the literature in individuals affected with MITF-related conditions. Invitae Evidence Modeling of protein sequence and biophysical properties (such as structural, functional, and spatial information, amino acid conservation, physicochemical variation, residue mobility, and thermodynamic stability) indicates that this missense variant is expected to disrupt MITF protein function with a positive predictive value of 80%. In summary, the available evidence is currently insufficient to determine the role of this variant in disease. Therefore, it has been classified as a Variant of Uncertain Significance.

NM_001354604.2(MITF):c.418A>G (p.Lys140Glu)

Gene: MITF (melanocyte inducing transcription factor; plus strand). Cytogenetic location: 3p13.
Variant type: single nucleotide variant.
Coding change: c.418A>G on transcript NM_001354604.2 (MANE Select); coding-DNA position 418, A replaced by G.
Protein change: p.Lys140Glu; replaces lysine 140 with glutamic acid.
Molecular consequence: missense variant. On other transcripts: intron variant (1).
Genome position (GRCh38, 1-based): chr3:69,937,885, A>G. VCF-style: chr3-69937885-A-G. GRCh37 (hg19) VCF-style: chr3-69987036-A-G.
Other names: c.97A>G, p.Lys33Glu (NM_000248.4, NM_001184968.2, NM_198158.3); c.262A>G, p.Lys88Glu (NM_001184967.2, NM_001354608.2); c.415A>G, p.Lys139Glu (NM_001354605.2, NM_001354606.2, NM_006722.3); c.367A>G, p.Lys123Glu (NM_001354607.2); c.418A>G, p.Lys140Glu (NM_198159.3); c.370A>G, p.Lys124Glu (NM_198177.3); c.93+4A>G (NM_198178.3); short protein forms K123E, K124E, K139E, K140E, K33E, K88E.
Identifiers: ClinVar variation 3758383 (VCV003758383.3).